The following is an entry in ClinVar:

ClinVar aggregate classification (germline): Conflicting classifications of pathogenicity. Review status: criteria provided, conflicting classifications (1 of 4 stars). 2 submissions from 2 submitters: Uncertain significance (1); Likely benign (1). Last evaluated 2025-12-01.

Conditions:
Hereditary spastic paraplegia 47. Also called: Spastic paraplegia 47, autosomal recessive; CEREBRAL PALSY, SPASTIC QUADRIPLEGIC, 5; adaptor protein 4 (AP-4) deficiency syndrome. Identifiers: Orphanet 280763, MedGen C3279738, MONDO:0013551, OMIM 614066.
Inborn genetic diseases. Identifiers: MedGen C0950123, MeSH D030342.

Allele frequency attached by ClinVar (database versions not stated): ExAC 0.00031; TOPMed 0.00091; gnomAD 0.00111 and 0.00118; ESP Exome Variant Server 0.00123; 1000 Genomes Project 30x 0.00203; 1000 Genomes Project 0.00220.
gnomAD v4.1: 308 of 1,614,200 alleles (0.019%); highest among the groups gnomAD compares: African/African-American, 0.37%; no homozygotes.

Submissions (2):

Labcorp Genetics (formerly Invitae), Labcorp
Classification: Likely benign for Hereditary spastic paraplegia 47. Last evaluated: 2025-12-01. Review status: criteria provided, single submitter. Criteria: Invitae Variant Classification Sherloc (09022015). Collection method: clinical testing. Allele origin: germline.

Ambry Genetics
Classification: Uncertain significance for Inborn genetic diseases. Last evaluated: 2016-07-26. Review status: criteria provided, single submitter. Criteria: Ambry Variant Classification Scheme 2023. Collection method: clinical testing. Allele origin: germline.
Comment: The p.V300L variant (also known as c.898G>T), located in coding exon 5 of the AP4B1 gene, results from a G to T substitution at nucleotide position 898. The valine at codon 300 is replaced by leucine, an amino acid with highly similar properties. This variant was previously reported in the SNPDatabase as rs111785152. Based on data from the 1000 Genomes Project, the T allele has an overall frequency of approximately 0.1% (2/2098) total alleles studied. The highest observed frequency was 0.94% (1/106) African-American SW alleles. Based on data from the NHLBI Exome Sequencing Project (ESP), the T allele has an overall frequency of approximately 0.12% (16/13006) total alleles studied, having been observed in 0.36% (16/4406) African American alleles. This amino acid position is well conserved in available vertebrate species. In addition, this alteration is predicted to be tolerated by in silico analysis. Since supporting evidence is limited at this time, the clinical significance of this alteration remains unclear.

NM_001253852.3(AP4B1):c.898G>T (p.Val300Leu)

Genes: AP4B1 (adaptor related protein complex 4 subunit beta 1; minus strand), AP4B1-AS1 (AP4B1 antisense RNA 1; plus strand). Cytogenetic location: 1p13.2.
Variant type: single nucleotide variant.
Coding change: c.898G>T on transcript NM_001253852.3 (MANE Select); coding-DNA position 898, G replaced by T.
Protein change: p.Val300Leu; replaces valine 300 with leucine.
Molecular consequence: missense variant. On other transcripts: non-coding transcript variant (2).
Genome position (GRCh38, 1-based): chr1:113,900,120, C>A on the plus strand (G>T on the coding strand, the complement: AP4B1 is on the minus strand). VCF-style: chr1-113900120-C-A. GRCh37 (hg19) VCF-style: chr1-114442742-C-A.
Other names: c.601G>T, p.Val201Leu (NM_001253853.3); c.394G>T, p.Val132Leu (NM_001308312.2); c.898G>T, p.Val300Leu (NM_006594.5); short protein forms V300L, V201L, V132L.
Identifiers: ClinVar variation 539528 (VCV000539528.15), dbSNP rs111785152, ClinGen allele CA1015986.